The following is an entry in ClinVar:

NM_000059.4(BRCA2):c.3936T>G (p.Asn1312Lys)

Gene: BRCA2 (BRCA2 DNA repair associated; plus strand). Cytogenetic location: 13q13.1.
Variant type: single nucleotide variant.
Coding change: c.3936T>G on transcript NM_000059.4 (MANE Select); coding-DNA position 3936, T replaced by G.
Protein change: p.Asn1312Lys; replaces asparagine 1312 with lysine.
Molecular consequence: missense variant.
Genome position (GRCh38, 1-based): chr13:32,338,291, T>G. VCF-style: chr13-32338291-T-G. GRCh37 (hg19) VCF-style: chr13-32912428-T-G.
Other names: short protein forms N1312K.
Identifiers: ClinVar variation 462314 (VCV000462314.10), dbSNP rs876659198, ClinGen allele CA387778862.

ClinVar aggregate classification (germline): Conflicting classifications of pathogenicity. Review status: criteria provided, conflicting classifications (1 of 4 stars). 2 submissions from 2 submitters: Uncertain significance (1); Likely benign (1). Last evaluated 2023-03-23.

Conditions:
Hereditary cancer-predisposing syndrome. Also called: Neoplastic Syndromes, Hereditary; Hereditary Cancer Syndrome; Hereditary neoplastic syndrome; Tumor predisposition. Identifiers: Orphanet 140162, MedGen C0027672, MeSH D009386, MONDO:0015356.
Hereditary breast ovarian cancer syndrome. Also called: Hereditary breast and ovarian cancer syndrome (HBOC); Hereditary breast and ovarian cancer syndrome; Breast and ovarian cancer; Hereditary breast and/or ovarian cancer syndrome; Hereditary breast and ovarian cancer; BRCA1- and BRCA2-Associated Hereditary Breast and Ovarian Cancer. Identifiers: Orphanet 145, MedGen C0677776, MeSH D061325, MONDO:0003582. Disease mechanism: loss of function.

Submissions (2):

University of Washington Department of Laboratory Medicine, University of Washington
Classification: Likely benign for Hereditary cancer-predisposing syndrome. Last evaluated: 2023-03-23. Review status: criteria provided, single submitter. Criteria: Dines et al. (Genet Med. 2020). Collection method: curation. Allele origin: germline.
Comment: Missense variant in a coldspot region where missense variants are very unlikely to be pathogenic (PMID:31911673).

BRCA2 exon 11 coldspot. Reclassification based on statistical prior probability.

Labcorp Genetics (formerly Invitae), Labcorp
Classification: Uncertain significance for Hereditary breast ovarian cancer syndrome. Last evaluated: 2017-07-06. Review status: criteria provided, single submitter. Criteria: Invitae Variant Classification Sherloc (09022015). Collection method: clinical testing. Allele origin: germline.
Comment: This variant has not been reported in the literature in individuals with BRCA2-related disease. This variant is not present in population databases (ExAC no frequency). This sequence change replaces asparagine with lysine at codon 1312 of the BRCA2 protein (p.Asn1312Lys). The asparagine residue is weakly conserved and there is a moderate physicochemical difference between asparagine and lysine. Algorithms developed to predict the effect of missense changes on protein structure and function (SIFT, PolyPhen-2, Align-GVGD) all suggest that this variant is likely to be tolerated, but these predictions have not been confirmed by published functional studies and their clinical significance is uncertain. In summary, the available evidence is currently insufficient to determine the role of this variant in disease. Therefore, it has been classified as a Variant of Uncertain Significance.